The following is an entry in ClinVar:

ClinVar aggregate classification (germline): Benign. Review status: criteria provided, multiple submitters, no conflicts (2 of 4 stars). 2 submissions from 2 submitters: Benign (2). Last evaluated 2018-06-14.

Allele frequency attached by ClinVar (database versions not stated): 1000 Genomes Project 30x 0.24188; TOPMed 0.23865; 1000 Genomes Project 0.23802.

Submissions (2):

GeneDx
Classification: Benign. Last evaluated: 2018-06-14. Review status: criteria provided, single submitter. Criteria: GeneDx Variant Classification (06012015). Collection method: clinical testing. Allele origin: germline. Affected: yes.
Comment: This variant is considered likely benign or benign based on one or more of the following criteria: it is a conservative change, it occurs at a poorly conserved position in the protein, it is predicted to be benign by multiple in silico algorithms, and/or has population frequency not consistent with disease.

Breakthrough Genomics
Classification: Benign. Review status: criteria provided, single submitter. Criteria: ACMG Guidelines, 2015. Collection method: not provided. Allele origin: germline. Inheritance: Autosomal recessive inheritance. Affected: yes.

NM_003850.2(SUCLA2):c.-182C>G

Genes: SUCLA2 (succinate-CoA ligase ADP-forming subunit beta; minus strand), SUCLA2-AS1 (SUCLA2 antisense RNA 1; plus strand), LOC130009748 (ATAC-STARR-seq lymphoblastoid silent region 5330; plus strand). Cytogenetic location: 13q14.2.
Variant type: single nucleotide variant.
Coding change: c.-182C>G on transcript NM_003850.2; 182 bases upstream of the start codon, C replaced by G.
Molecular consequence: non-coding transcript variant (on NR_189308.1).
Genome position (GRCh38, 1-based): chr13:48,001,451, G>C on the plus strand (C>G on the coding strand, the complement: SUCLA2 is on the minus strand). VCF-style: chr13-48001451-G-C. GRCh37 (hg19) VCF-style: chr13-48575587-G-C.
Identifiers: ClinVar variation 676448 (VCV000676448.4), dbSNP rs2296573, ClinGen allele CA13876000.